The following is an entry in ClinVar:

NM_002880.4(RAF1):c.1704A>G (p.Pro568=)

Gene: RAF1 (Raf-1 proto-oncogene, serine/threonine kinase; minus strand). Cytogenetic location: 3p25.2.
Variant type: single nucleotide variant.
Coding change: c.1704A>G on transcript NM_002880.4 (MANE Select); coding-DNA position 1704, A replaced by G.
Protein change: p.Pro568=; no amino-acid change (proline 568 retained).
Molecular consequence: synonymous variant. On other transcripts: non-coding transcript variant (3).
Genome position (GRCh38, 1-based): chr3:12,584,946, T>C on the plus strand (A>G on the coding strand, the complement: RAF1 is on the minus strand). VCF-style: chr3-12584946-T-C. GRCh37 (hg19) VCF-style: chr3-12626445-T-C.
Other names: c.1764A>G, p.Pro588= (NM_001354689.3); c.1704A>G, p.Pro568= (NM_001354690.3); c.1461A>G, p.Pro487= (NM_001354691.3, NM_001354692.3); c.1605A>G, p.Pro535= (NM_001354693.3); c.1521A>G, p.Pro507= (NM_001354694.3); c.1362A>G, p.Pro454= (NM_001354695.3).
Identifiers: ClinVar variation 698911 (VCV000698911.19), dbSNP rs1575530495, ClinGen allele CA432522048.
Genomic context (GRCh38, chr3:12,584,946, plus strand): 5'-ACAGTCAGCTACCAGCCTCTTCATTGCTTTGGGGCAGTTCTTATATAGCTTACTAAGATC[T>C]GGGGAGGCATATCCTCGGCCCACCATGAAGATGATCTAAGGGAAAGAAAACAGCTGAGCT-3'
Protein context (NP_002871.1, residues 558-578): IFMVGRGYAS[Pro568=]DLSKLYKNCP

ClinVar aggregate classification (germline): Likely benign. Review status: criteria provided, multiple submitters, no conflicts (2 of 4 stars). 5 submissions from 5 submitters: Likely benign (4). 1 of the submissions does not count toward it. Last evaluated 2026-07-01.

Conditions:
RASopathy. Also called: rasopathies; Noonan spectrum disorder. Identifiers: Orphanet 536391, MedGen C5555857, MONDO:0021060.
Cardiovascular phenotype. Identifiers: MedGen CN230736.
RAF1-related disorder. Also called: RAF1-related disorders; RAF1-related condition.

Allele frequency attached by ClinVar (database versions not stated): gnomAD exomes below 0.00001.
gnomAD v4.1: 5 of 1,614,170 alleles (0.00031%); highest among the groups gnomAD compares: South Asian, 0.0011%; no homozygotes.

Submissions (5):

CeGaT Center for Human Genetics Tuebingen
Classification: Likely benign. Last evaluated: 2026-07-01. Review status: criteria provided, single submitter. Criteria: CeGaT Center For Human Genetics Tuebingen Variant Classification Criteria Version 2. Collection method: clinical testing. Allele origin: germline. Affected: yes. Observed: 2 variant alleles.
Comment: RAF1: BP4, BP7

Ambry Genetics
Classification: Likely benign for Cardiovascular phenotype. Last evaluated: 2023-10-08. Review status: criteria provided, single submitter. Criteria: Ambry Variant Classification Scheme 2023. Collection method: clinical testing. Allele origin: germline.

Labcorp Genetics (formerly Invitae), Labcorp
Classification: Likely benign for RASopathy. Last evaluated: 2023-01-14. Review status: criteria provided, single submitter. Criteria: Invitae Variant Classification Sherloc (09022015). Collection method: clinical testing. Allele origin: germline.

GeneDx
Classification: Likely benign. Last evaluated: 2020-01-31. Review status: criteria provided, single submitter. Criteria: GeneDx Variant Classification Process June 2021. Collection method: clinical testing. Allele origin: germline. Affected: yes.

PreventionGenetics, part of Exact Sciences
Classification: Likely benign for RAF1-related condition. Last evaluated: 2020-09-22. Review status: no assertion criteria provided. Collection method: clinical testing. Allele origin: germline. Not counted in ClinVar's aggregate classification.
Comment: This variant is classified as likely benign based on ACMG/AMP sequence variant interpretation guidelines (Richards et al. 2015 PMID: 25741868, with internal and published modifications).